The following is an entry in ClinVar:

NM_001204.7(BMPR2):c.1907A>G (p.Asp636Gly)

Gene: BMPR2 (bone morphogenetic protein receptor type 2; plus strand). Cytogenetic location: 2q33.2.
Variant type: single nucleotide variant.
Coding change: c.1907A>G on transcript NM_001204.7 (MANE Select); coding-DNA position 1907, A replaced by G.
Protein change: p.Asp636Gly; replaces aspartic acid 636 with glycine.
Molecular consequence: missense variant.
Genome position (GRCh38, 1-based): chr2:202,555,572, A>G. VCF-style: chr2-202555572-A-G. GRCh37 (hg19) VCF-style: chr2-203420295-A-G.
Other names: short protein forms D636G.
Identifiers: ClinVar variation 3824872 (VCV003824872.1).

ClinVar aggregate classification (germline): Uncertain significance (1 of 4 stars; one submission).

Conditions:
Inborn genetic diseases. Identifiers: MedGen C0950123, MeSH D030342.

gnomAD v4.1: 2 of 1,614,182 alleles (0.00012%); highest among the groups gnomAD compares: Non-Finnish European, 0.00017%; no homozygotes.

Submission:

Ambry Genetics
Classification: Uncertain significance for Inborn genetic diseases. Last evaluated: 2025-02-03. Review status: criteria provided, single submitter. Criteria: Ambry Variant Classification Scheme 2023. Collection method: clinical testing. Allele origin: germline.
Comment: The p.D636G variant (also known as c.1907A>G), located in coding exon 12 of the BMPR2 gene, results from an A to G substitution at nucleotide position 1907. The aspartic acid at codon 636 is replaced by glycine, an amino acid with similar properties. This amino acid position is conserved. In addition, this alteration is predicted to be tolerated by in silico analysis. Based on the available evidence, the clinical significance of this variant remains unclear.